The following is an entry in ClinVar:

ClinVar aggregate classification (germline): Uncertain significance. Review status: criteria provided, multiple submitters, no conflicts (2 of 4 stars). 3 submissions from 3 submitters: Uncertain significance (3). Last evaluated 2026-06-19.

Conditions:
ENHANCED S-CONE SYNDROME 1 (ESCS1). Also called: RETINOSCHISIS WITH EARLY HEMERALOPIA; FAVRE HYALOIDEORETINAL DEGENERATION. Identifiers: MedGen CN380299, OMIM 268100.

Submissions (3):

Myriad Genetics, Inc.
Classification: Uncertain significance for ENHANCED S-CONE SYNDROME 1. Last evaluated: 2026-06-19. Review status: criteria provided, single submitter. Criteria: Myriad Autosomal Dominant, Autosomal Recessive and X-Linked Classification Criteria (2023). Collection method: clinical testing. Allele origin: unknown.
Comment: NM_014249.2(NR2E3):c.145G>A(V49M) is a missense variant classified as a variant of uncertain significance in the context of enhanced S-cone syndrome. V49M has been observed in a case with relevant disease (PMID: 18436841). Relevant functional assessments of this variant are not available in the literature. V49M has been observed in referenced population frequency databases. In summary, there is insufficient evidence to classify NM_014249.2(NR2E3):c.145G>A(V49M) as pathogenic or benign. Please note: this variant was assessed in the context of healthy population screening.

Labcorp Genetics (formerly Invitae), Labcorp
Classification: Uncertain significance. Last evaluated: 2024-11-05. Review status: criteria provided, single submitter. Criteria: Invitae Variant Classification Sherloc (09022015). Collection method: clinical testing. Allele origin: germline.
Comment: This sequence change replaces valine, which is neutral and non-polar, with methionine, which is neutral and non-polar, at codon 49 of the NR2E3 protein (p.Val49Met). This variant is not present in population databases (gnomAD no frequency). This missense change has been observed in individual(s) with enhanced S-cone syndrome (PMID: 18436841). ClinVar contains an entry for this variant (Variation ID: 2736231). Invitae Evidence Modeling of protein sequence and biophysical properties (such as structural, functional, and spatial information, amino acid conservation, physicochemical variation, residue mobility, and thermodynamic stability) indicates that this missense variant is expected to disrupt NR2E3 protein function with a positive predictive value of 80%. In summary, the available evidence is currently insufficient to determine the role of this variant in disease. Therefore, it has been classified as a Variant of Uncertain Significance.

Blueprint Genetics
Classification: Uncertain significance. Last evaluated: 2023-12-21. Review status: criteria provided, single submitter. Criteria: ACMG Guidelines, 2015. Collection method: clinical testing. Allele origin: germline.

Literature cited by the submitters: PubMed 18436841 (cited by Myriad Genetics, Inc. and Labcorp Genetics (formerly Invitae), Labcorp).

NM_014249.4(NR2E3):c.145G>A (p.Val49Met)

Gene: NR2E3 (nuclear receptor subfamily 2 group E member 3; plus strand). Cytogenetic location: 15q23.
Variant type: single nucleotide variant.
Coding change: c.145G>A on transcript NM_014249.4 (MANE Select); coding-DNA position 145, G replaced by A.
Protein change: p.Val49Met; replaces valine 49 with methionine.
Molecular consequence: missense variant.
Genome position (GRCh38, 1-based): chr15:71,811,509, G>A. VCF-style: chr15-71811509-G-A. GRCh37 (hg19) VCF-style: chr15-72103849-G-A.
Other names: c.145G>A, p.Val49Met (NM_016346.4); short protein forms V49M.
Identifiers: ClinVar variation 2736231 (VCV002736231.5), dbSNP rs890956501, ClinGen allele CA272574802.
Genomic context (GRCh38, chr15:71,811,509, plus strand): 5'-CTGCCCTGGCCCAGCCCTGCCCCCTGCCCCTCAGGCGTGAGCCCCTCGCTCCAGTGCCGC[G>A]TGTGCGGAGACAGCAGCAGCGGGAAGCACTATGGCATCTATGCCTGCAACGGCTGCAGCG-3'
Protein context (NP_055064.1, residues 39-59): TGVSPSLQCR[Val49Met]CGDSSSGKHY